The following is an entry in ClinVar:

NM_013450.4(BAZ2B):c.3352C>T (p.Leu1118=)

Gene: BAZ2B (bromodomain adjacent to zinc finger domain 2B; minus strand). Cytogenetic location: 2q24.2.
Variant type: single nucleotide variant.
Coding change: c.3352C>T on transcript NM_013450.4 (MANE Select); coding-DNA position 3352, C replaced by T.
Protein change: p.Leu1118=; no amino-acid change (leucine 1118 retained).
Molecular consequence: synonymous variant.
Genome position (GRCh38, 1-based): chr2:159,386,472, G>A on the plus strand (C>T on the coding strand, the complement: BAZ2B is on the minus strand). VCF-style: chr2-159386472-G-A. GRCh37 (hg19) VCF-style: chr2-160242983-G-A.
Other names: c.3244C>T, p.Leu1082= (NM_001289975.1); c.3190C>T, p.Leu1064= (NM_001329857.2); c.3277C>T, p.Leu1093= (NM_001329858.2).
Identifiers: ClinVar variation 3040021 (VCV003040021.2), dbSNP rs374045370, ClinGen allele CA1924375.

ClinVar aggregate classification (germline): Likely benign (0 of 4 stars; one submission).

Conditions:
BAZ2B-related disorder. Also called: BAZ2B-related condition.

Allele frequency attached by ClinVar (database versions not stated): ExAC 0.00002; gnomAD exomes 0.00004; gnomAD 0.00005; TOPMed 0.00012; ESP Exome Variant Server 0.00017.
gnomAD v4.1: 62 of 1,613,338 alleles (0.0038%); highest among the groups gnomAD compares: Admixed American, 0.027%; no homozygotes.

Submission:

PreventionGenetics, part of Exact Sciences
Classification: Likely benign for BAZ2B-related condition. Last evaluated: 2019-09-18. Review status: no assertion criteria provided. Collection method: clinical testing. Allele origin: germline.
Comment: This variant is classified as likely benign based on ACMG/AMP sequence variant interpretation guidelines (Richards et al. 2015 PMID: 25741868, with internal and published modifications).